The following is an entry in ClinVar:

NM_004183.4(BEST1):c.948+1_948+2delinsTA

Gene: BEST1 (bestrophin 1; plus strand). Cytogenetic location: 11q12.3.
Variant type: Indel.
Coding change: c.948+1_948+2delinsTA on transcript NM_004183.4 (MANE Select); the canonical splice donor site of the intron after coding-DNA position 948, GT replaced by TA.
Molecular consequence: splice donor variant. On other transcripts: intron variant (4).
Genome position (GRCh38, 1-based): chr11:61,959,579-61,959,580, GT replaced by TA. VCF-style: chr11-61959579-GT-TA. GRCh37 (hg19) VCF-style: chr11-61727051-GT-TA.
Other names: c.1151+1_1151+2delinsTA (NM_001363592.2); c.948+1_948+2delinsTA (NM_001440571.1); c.868-313_868-312delinsTA (NM_001440572.1); c.795+1_795+2delinsTA (NM_001440573.1); c.768+1_768+2delinsTA (NM_001139443.3, NM_001300787.2); c.688-313_688-312delinsTA (NM_001440574.1, NM_001300786.2); c.615+1_615+2delinsTA (NM_001440575.1); c.535-313_535-312delinsTA (NM_001440576.1); and 2 more.
Identifiers: ClinVar variation 1067832 (VCV001067832.8), dbSNP rs2134453733, ClinGen allele CA2499221107.

ClinVar aggregate classification (germline): Likely pathogenic. Review status: criteria provided, multiple submitters, no conflicts (2 of 4 stars). 2 submissions from 2 submitters: Likely pathogenic (2). Last evaluated 2023-08-04.

Conditions:
BEST1-related disorder. Also called: BEST1-related disorders; BEST1-related condition. Identifiers: MedGen CN239200.

Submissions (2):

Labcorp Genetics (formerly Invitae), Labcorp
Classification: Likely pathogenic. Last evaluated: 2023-08-04. Review status: criteria provided, single submitter. Criteria: Invitae Variant Classification Sherloc (09022015). Collection method: clinical testing. Allele origin: germline.
Comment: ClinVar contains an entry for this variant (Variation ID: 1067832). In summary, the currently available evidence indicates that the variant is pathogenic, but additional data are needed to prove that conclusively. Therefore, this variant has been classified as Likely Pathogenic. This variant has not been reported in the literature in individuals affected with BEST1-related conditions. Information on the frequency of this variant in the gnomAD database is not available, as this variant may be reported differently in the database. This sequence change affects a splice site in intron 8 of the BEST1 gene. It is expected to disrupt RNA splicing. Variants that disrupt the donor or acceptor splice site typically lead to a loss of protein function (PMID: 16199547), and loss-of-function variants in BEST1 are known to be pathogenic (PMID: 21825197).

Blueprint Genetics
Classification: Likely pathogenic for BEST1-related disorders. Last evaluated: 2022-06-14. Review status: criteria provided, single submitter. Criteria: ACMG Guidelines, 2015. Collection method: clinical testing. Allele origin: germline. Affected: yes. Observed: 3 variant alleles.

Literature cited by the submitters: PubMed 16199547 (cited by Labcorp Genetics (formerly Invitae), Labcorp); PubMed 21825197 (cited by Labcorp Genetics (formerly Invitae), Labcorp).